The following is an entry in ClinVar:

NM_001099922.3(ALG13):c.2530-14_2530-10del

Gene: ALG13 (ALG13 UDP-N-acetylglucosaminyltransferase subunit; plus strand). Cytogenetic location: Xq23.
Variant type: Deletion.
Coding change: c.2530-14_2530-10del on transcript NM_001099922.3 (MANE Select); 14 bases into the intron before coding-DNA position 2530 through 10 bases into the intron before coding-DNA position 2530, 5 bases deleted (TTCCA; older notation c.2530-14_2530-10delTTCCA).
Molecular consequence: intron variant.
Genome position (GRCh38, 1-based): chrX:111,736,700-111,736,704, TTCCA deleted. VCF-style (leftmost placement, unchanged base first): chrX-111736699-CTTCCA-C. GRCh37 (hg19) VCF-style: chrX-110979927-CTTCCA-C.
Other names: c.2218-14_2218-10del (NM_001257237.2, NM_001257234.2, NM_001257230.2); c.2044-14_2044-10del (NM_001324293.1); c.2296-14_2296-10del (NM_001257231.2); c.2530-14_2530-10del (NM_001324292.2); c.2530-14_2530-10delTTCCA (NM_001099922.3).
Identifiers: ClinVar variation 3768504 (VCV003768504.1).

ClinVar aggregate classification (germline): Likely benign (1 of 4 stars; one submission).

Submission:

Women's Health and Genetics/Laboratory Corporation of America, LabCorp
Classification: Likely benign. Last evaluated: 2024-12-31. Review status: criteria provided, single submitter. Criteria: LabCorp Variant Classification Summary - May 2015. Collection method: clinical testing. Allele origin: germline.
Comment: Variant summary: ALG13 c.2530-14_2530-10delTTCCA alters a nucleotide located at a position not widely known to affect splicing. Consensus agreement among computation tools predict no significant impact on normal splicing. However, these predictions have yet to be confirmed by functional studies. The variant was absent in 167718 control chromosomes. The available data on variant occurrences in the general population are insufficient to allow any conclusion about variant significance. To our knowledge, no occurrence of c.2530-14_2530-10delTTCCA in individuals affected with ALG13-related conditions and no experimental evidence demonstrating its impact on protein function have been reported. No submitters have cited clinical-significance assessments for this variant to ClinVar. Based on the evidence outlined above, the variant was classified as likely benign.